The following is an entry in ClinVar:

NM_022725.4(FANCF):c.812C>T (p.Ser271Phe)

Gene: FANCF (FA complementation group F; minus strand). Cytogenetic location: 11p14.3.
Variant type: single nucleotide variant.
Coding change: c.812C>T on transcript NM_022725.4 (MANE Select); coding-DNA position 812, C replaced by T.
Protein change: p.Ser271Phe; replaces serine 271 with phenylalanine.
Molecular consequence: missense variant.
Genome position (GRCh38, 1-based): chr11:22,624,999, G>A on the plus strand (C>T on the coding strand, the complement: FANCF is on the minus strand). VCF-style: chr11-22624999-G-A. GRCh37 (hg19) VCF-style: chr11-22646545-G-A.
Other names: short protein forms S271F.
Identifiers: ClinVar variation 1691930 (VCV001691930.1), dbSNP rs1417824608, ClinGen allele CA380058277.

ClinVar aggregate classification (germline): Uncertain significance (1 of 4 stars; one submission).

Conditions:
Fanconi anemia (FA). Also called: Fanconi's anemia. Identifiers: Orphanet 84, MedGen C0015625, MeSH D005199, MONDO:0019391.

Allele frequency attached by ClinVar (database versions not stated): gnomAD exomes below 0.00001; gnomAD 0.00001; TOPMed 0.00002.
gnomAD v4.1: 2 of 1,614,110 alleles (0.00012%); highest among the groups gnomAD compares: Admixed American, 0.0033%; no homozygotes.

Submission:

Sema4
Classification: Uncertain significance for Fanconi anemia. Last evaluated: 2021-06-17. Review status: criteria provided, single submitter. Criteria: Sema4 Curation Guidelines. Collection method: curation. Allele origin: germline.
Comment: The FANCF c.812C>T (p.S271F) variant has not been reported in the literature to our knowledge. This variant was observed in 1/34592 chromosomes in the Latino population, according to the Genome Aggregation Database (PMID: 32461654). This variant has been reported in ClinVar (Variation ID 181941). In silico tools suggest the impact of the variant on protein function is benign, though these predictions have not been confirmed by functional studies. The overall evidence is insufficient to meet ACMG/AMP criteria for classifying it as benign or pathogenic. In summary, the clinical significance of this variant is currently uncertain.